The following is an entry in ClinVar:

NM_002224.4(ITPR3):c.627+9G>T

Gene: ITPR3 (inositol 1,4,5-trisphosphate receptor type 3; plus strand). Cytogenetic location: 6p21.31.
Variant type: single nucleotide variant.
Coding change: c.627+9G>T on transcript NM_002224.4 (MANE Select); 9 bases into the intron after coding-DNA position 627, G replaced by T.
Molecular consequence: intron variant.
Genome position (GRCh38, 1-based): chr6:33,659,128, G>T. VCF-style: chr6-33659128-G-T. GRCh37 (hg19) VCF-style: chr6-33626905-G-T.
Identifiers: ClinVar variation 3056716 (VCV003056716.2), dbSNP rs75742993, ClinGen allele CA3759981.

ClinVar aggregate classification (germline): Benign (0 of 4 stars; one submission).

Conditions:
ITPR3-related disorder. Also called: ITPR3-related condition.

Allele frequency attached by ClinVar (database versions not stated): 1000 Genomes Project 30x 0.01530; 1000 Genomes Project 0.01538; ESP Exome Variant Server 0.02760; TOPMed 0.02934; ExAC 0.03237; gnomAD exomes 0.03281.
gnomAD v4.1: 52,269 of 1,612,696 alleles (3.2%); highest among the groups gnomAD compares: Middle Eastern, 5.1%; 1,076 homozygotes.

Submission:

PreventionGenetics, part of Exact Sciences
Classification: Benign for ITPR3-related condition. Last evaluated: 2019-12-03. Review status: no assertion criteria provided. Collection method: clinical testing. Allele origin: germline.
Comment: This variant is classified as benign based on ACMG/AMP sequence variant interpretation guidelines (Richards et al. 2015 PMID: 25741868, with internal and published modifications).